The following is an entry in ClinVar:

ClinVar aggregate classification (germline): Uncertain significance (1 of 4 stars; one submission).

Submission:

Labcorp Genetics (formerly Invitae), Labcorp
Classification: Uncertain significance. Last evaluated: 2025-09-10. Review status: criteria provided, single submitter. Criteria: Invitae Variant Classification Sherloc (09022015). Collection method: clinical testing. Allele origin: germline.
Comment: This sequence change replaces glutamic acid, which is acidic and polar, with lysine, which is basic and polar, at codon 598 of the POLE protein (p.Glu598Lys). This variant is not present in population databases (gnomAD no frequency). This variant has not been reported in the literature in individuals affected with POLE-related conditions. ClinVar contains an entry for this variant (Variation ID: 3672485). An algorithm developed to predict the effect of missense changes on protein structure and function (PolyPhen-2) suggests that this variant is likely to be disruptive. In summary, the available evidence is currently insufficient to determine the role of this variant in disease. Therefore, it has been classified as a Variant of Uncertain Significance.

NM_006231.4(POLE):c.1792G>A (p.Glu598Lys)

Gene: POLE (DNA polymerase epsilon, catalytic subunit; minus strand). Cytogenetic location: 12q24.33.
Variant type: single nucleotide variant.
Coding change: c.1792G>A on transcript NM_006231.4 (MANE Select); coding-DNA position 1792, G replaced by A.
Protein change: p.Glu598Lys; replaces glutamic acid 598 with lysine.
Molecular consequence: missense variant.
Genome position (GRCh38, 1-based): chr12:132,672,217, C>T on the plus strand (G>A on the coding strand, the complement: POLE is on the minus strand). VCF-style: chr12-132672217-C-T. GRCh37 (hg19) VCF-style: chr12-133248803-C-T.
Other names: short protein forms E598K.
Identifiers: ClinVar variation 3672485 (VCV003672485.2).